The following is an entry in ClinVar:

NM_001164277.2(SLC37A4):c.349G>A (p.Gly117Ser)

Gene: SLC37A4 (solute carrier family 37 member 4; minus strand). Cytogenetic location: 11q23.3.
Variant type: single nucleotide variant.
Coding change: c.349G>A on transcript NM_001164277.2 (MANE Select); coding-DNA position 349, G replaced by A.
Protein change: p.Gly117Ser; replaces glycine 117 with serine.
Molecular consequence: missense variant.
Genome position (GRCh38, 1-based): chr11:119,028,226, C>T on the plus strand (G>A on the coding strand, the complement: SLC37A4 is on the minus strand). VCF-style: chr11-119028226-C-T. GRCh37 (hg19) VCF-style: chr11-118898936-C-T.
Other names: c.349G>A, p.Gly117Ser (NM_001164278.2, NM_001164280.2, NM_001467.6); c.130G>A, p.Gly44Ser (NM_001164279.2); short protein forms G117S, G44S.
Identifiers: ClinVar variation 2093967 (VCV002093967.4), dbSNP rs1374936577, ClinGen allele CA382904643.

ClinVar aggregate classification (germline): Uncertain significance (1 of 4 stars; one submission).

Conditions:
Glucose-6-phosphate transport defect (GSD1B). Also called: GSD Ib; Glycogen Storage Disease Type Ib. Identifiers: Orphanet 364, Orphanet 79259, MedGen C0268146, MONDO:0009288, OMIM 232220.

Submission:

Labcorp Genetics (formerly Invitae), Labcorp
Classification: Uncertain significance for Glucose-6-phosphate transport defect. Last evaluated: 2022-08-23. Review status: criteria provided, single submitter. Criteria: Invitae Variant Classification Sherloc (09022015). Collection method: clinical testing. Allele origin: germline.
Comment: In summary, the available evidence is currently insufficient to determine the role of this variant in disease. Therefore, it has been classified as a Variant of Uncertain Significance. Experimental studies and prediction algorithms are not available or were not evaluated, and the functional significance of this variant is currently unknown. This variant has not been reported in the literature in individuals affected with SLC37A4-related conditions. This variant is not present in population databases (gnomAD no frequency). This sequence change replaces glycine, which is neutral and non-polar, with serine, which is neutral and polar, at codon 117 of the SLC37A4 protein (p.Gly117Ser).